The following is an entry in ClinVar:

ClinVar aggregate classification (germline): Uncertain significance. Review status: criteria provided, multiple submitters, no conflicts (2 of 4 stars). 3 submissions from 3 submitters: Uncertain significance (3). Last evaluated 2025-11-06.

Allele frequency attached by ClinVar (database versions not stated): gnomAD 0.00001; gnomAD exomes 0.00002 and 0.00003; ExAC 0.00004; TOPMed 0.00004; ESP Exome Variant Server 0.00008.
gnomAD v4.1: 32 of 1,614,006 alleles (0.002%); highest among the groups gnomAD compares: African/African-American, 0.004%; no homozygotes.

Submissions (3):

Ambry Genetics
Classification: Uncertain significance. Last evaluated: 2025-11-06. Review status: criteria provided, single submitter. Criteria: Ambry Variant Classification Scheme 2023. Collection method: clinical testing. Allele origin: germline.

Blueprint Genetics
Classification: Uncertain significance. Last evaluated: 2022-11-17. Review status: criteria provided, single submitter. Criteria: ACMG Guidelines, 2015. Collection method: clinical testing. Allele origin: germline.

Labcorp Genetics (formerly Invitae), Labcorp
Classification: Uncertain significance. Last evaluated: 2022-07-12. Review status: criteria provided, single submitter. Criteria: Invitae Variant Classification Sherloc (09022015). Collection method: clinical testing. Allele origin: germline.
Comment: This sequence change replaces arginine, which is basic and polar, with histidine, which is basic and polar, at codon 2382 of the CEP250 protein (p.Arg2382His). This variant is present in population databases (rs141146763, gnomAD 0.007%). This variant has not been reported in the literature in individuals affected with CEP250-related conditions. ClinVar contains an entry for this variant (Variation ID: 843269). Algorithms developed to predict the effect of missense changes on protein structure and function are either unavailable or do not agree on the potential impact of this missense change (SIFT: "Not Available"; PolyPhen-2: "Probably Damaging"; Align-GVGD: "Not Available"). In summary, the available evidence is currently insufficient to determine the role of this variant in disease. Therefore, it has been classified as a Variant of Uncertain Significance.

NM_007186.6(CEP250):c.7145G>A (p.Arg2382His)

Gene: CEP250 (centrosomal protein 250; plus strand). Cytogenetic location: 20q11.22.
Variant type: single nucleotide variant.
Coding change: c.7145G>A on transcript NM_007186.6 (MANE Select); coding-DNA position 7145, G replaced by A.
Protein change: p.Arg2382His; replaces arginine 2382 with histidine.
Molecular consequence: missense variant.
Genome position (GRCh38, 1-based): chr20:35,511,442, G>A. VCF-style: chr20-35511442-G-A. GRCh37 (hg19) VCF-style: chr20-34099271-G-A.
Other names: c.5249G>A, p.Arg1750His (NM_001318219.1); c.7145G>A (NM_007186.3); short protein forms R2382H, R1750H.
Identifiers: ClinVar variation 843269 (VCV000843269.7), dbSNP rs141146763, ClinGen allele CA9834259.
Genomic context (GRCh38, chr20:35,511,442, plus strand): 5'-AGCTGACTTTGGAGCGGAAGCAGAAGCAGGACTACATCACCCGCTCAGCACAGACCAGCC[G>A]TGAGCTAGCAGGCCTGCACCACAGCCTCTCACACTCACTTCTTGCCGTGGCCCAGGCCCC-3'
Protein context (NP_009117.2, residues 2372-2392): DYITRSAQTS[Arg2382His]ELAGLHHSLS